The following is an entry in ClinVar:

NM_000784.4(CYP27A1):c.1472C>A (p.Ala491Glu)

Gene: CYP27A1 (cytochrome P450 family 27 subfamily A member 1; plus strand). Cytogenetic location: 2q35.
Variant type: single nucleotide variant.
Coding change: c.1472C>A on transcript NM_000784.4 (MANE Select); coding-DNA position 1472, C replaced by A.
Protein change: p.Ala491Glu; replaces alanine 491 with glutamic acid.
Molecular consequence: missense variant.
Genome position (GRCh38, 1-based): chr2:218,814,753, C>A. VCF-style: chr2-218814753-C-A. GRCh37 (hg19) VCF-style: chr2-219679476-C-A.
Other names: short protein forms A491E.
Identifiers: ClinVar variation 2451015 (VCV002451015.2), dbSNP rs1024898619, ClinGen allele CA65835494.

ClinVar aggregate classification (germline): Uncertain significance (1 of 4 stars; one submission).

Conditions:
Cardiovascular phenotype. Identifiers: MedGen CN230736.

Allele frequency attached by ClinVar (database versions not stated): gnomAD exomes below 0.00001; gnomAD 0.00001; TOPMed 0.00001.
gnomAD v4.1: 2 of 1,613,962 alleles (0.00012%); highest among the groups gnomAD compares: Non-Finnish European, 0.00017%; no homozygotes.

Submission:

Ambry Genetics
Classification: Uncertain significance for Cardiovascular phenotype. Last evaluated: 2023-02-26. Review status: criteria provided, single submitter. Criteria: Ambry Variant Classification Scheme 2023. Collection method: clinical testing. Allele origin: germline.
Comment: The p.A491E variant (also known as c.1472C>A), located in coding exon 8 of the CYP27A1 gene, results from a C to A substitution at nucleotide position 1472. The alanine at codon 491 is replaced by glutamic acid, an amino acid with dissimilar properties. This amino acid position is conserved. In addition, this alteration is predicted to be tolerated by in silico analysis. Since supporting evidence is limited at this time, the clinical significance of this alteration remains unclear.